The following is an entry in ClinVar:

ClinVar aggregate classification (germline): Uncertain significance. Review status: criteria provided, multiple submitters, no conflicts (2 of 4 stars). 4 submissions from 4 submitters: Uncertain significance (3). 1 of the submissions does not count toward it. Last evaluated 2026-04-06.

Conditions:
PDLIM3-related disorder. Also called: PDLIM3-related condition.
Primary dilated cardiomyopathy (DCM). Also called: Dilated Cardiomyopathy. Identifiers: Orphanet 217604, MedGen C0007193, MeSH D002311, MONDO:0005021, HP:0001644. Inheritance: Various modes of inheritance.
Hypertrophic cardiomyopathy. Also called: HYPERTROPHIC MYOCARDIOPATHY. Identifiers: Orphanet 217569, MedGen C0007194, MeSH D002312, MONDO:0005045, HP:0001639.

Allele frequency attached by ClinVar (database versions not stated): ExAC 0.00002; gnomAD 0.00003; gnomAD exomes 0.00003; TOPMed 0.00003; ESP Exome Variant Server 0.00008.

Submissions (4):

Women's Health and Genetics/Laboratory Corporation of America, LabCorp
Classification: Uncertain significance. Last evaluated: 2026-04-06. Review status: criteria provided, single submitter. Criteria: LabCorp Variant Classification Summary - May 2015. Collection method: clinical testing. Allele origin: germline.
Comment: Variant summary: PDLIM3 c.177_178dupCA (p.Met60ThrfsX2) results in a premature termination codon, predicted to cause a truncation of the encoded protein or absence of the protein due to nonsense mediated decay, however current evidence is not sufficient to establish loss of function as a mechanism for disease. The variant allele was found at a frequency of 3.2e-05 in 251366 control chromosomes. The available data on variant occurrences in the general population are insufficient to allow any conclusion about variant significance. c.177_178dupCA has been observed in an individual affected with dilated cardiomyopathy without strong evidence for causality (Arola_2007). These report(s) do not provide unequivocal conclusions about association of the variant with Hypertrophic Cardiomyopathy. To our knowledge, no experimental evidence demonstrating an impact on protein function has been reported. The following publication have been ascertained in the context of this evaluation (PMID: 17254821). ClinVar contains an entry for this variant (Variation ID: 31837). Based on the evidence outlined above, the variant was classified as uncertain significance.

Labcorp Genetics (formerly Invitae), Labcorp
Classification: Uncertain significance for Hypertrophic cardiomyopathy; Primary dilated cardiomyopathy. Last evaluated: 2025-08-20. Review status: criteria provided, single submitter. Criteria: Invitae Variant Classification Sherloc (09022015). Collection method: clinical testing. Allele origin: germline.
Comment: This sequence change creates a premature translational stop signal (p.Met60Thrfs*2) in the PDLIM3 gene. It is expected to result in an absent or disrupted protein product. However, the current clinical and genetic evidence is not sufficient to establish whether loss-of-function variants in PDLIM3 cause disease. This variant is present in population databases (rs199476399, gnomAD 0.006%). This premature translational stop signal has been observed in individual(s) with dilated cardiomyopathy (PMID: 17254821). This variant is also known as 178insCA. ClinVar contains an entry for this variant (Variation ID: 31837). In summary, the available evidence is currently insufficient to determine the role of this variant in disease. Therefore, it has been classified as a Variant of Uncertain Significance.

PreventionGenetics, part of Exact Sciences
Classification: Uncertain significance for PDLIM3-related condition. Last evaluated: 2024-11-04. Review status: criteria provided, single submitter. Criteria: ACMG Guidelines, 2015. Collection method: clinical testing. Allele origin: germline.
Comment: The PDLIM3 c.177_178dupCA variant is predicted to result in a frameshift and premature protein termination (p.Met60Thrfs*2). This variant has been reported in an individual with dilated cardiomyopathy (Arola et al. 2007. PubMed ID: 17254821). This variant is reported in 0.0054% of alleles in individuals of European (Non-Finnish) descent in gnomAD. Loss of function is not an established mechanism of PDLIM3-related disease. At this time, the clinical significance of this variant is uncertain due to the absence of conclusive functional and genetic evidence.

Leiden Muscular Dystrophy (PDLIM3)
No classification provided. Last evaluated: 2012-04-20. Review status: no classification provided. Collection method: curation. Allele origin: unknown. Not counted in ClinVar's aggregate classification.

Literature cited by the submitters: PubMed 17254821 (cited by Women's Health and Genetics/Laboratory Corporation of America, LabCorp and Labcorp Genetics (formerly Invitae), Labcorp).

NM_014476.6(PDLIM3):c.177_178dup (p.Met60fs)

Gene: PDLIM3 (PDZ and LIM domain 3; minus strand). Cytogenetic location: 4q35.1.
Variant type: Duplication.
Coding change: c.177_178dup on transcript NM_014476.6 (MANE Select); coding-DNA positions 177 to 178, 2 bases duplicated (CA; older notation c.177_178dupCA).
Protein change: p.Met60fs; shifts the reading frame from methionine 60.
Molecular consequence: frameshift variant. On other transcripts: non-coding transcript variant (1), intron variant (1).
Genome position (GRCh38, 1-based): chr4:185,525,087-185,525,088, TG duplicated on the plus strand (CA on the coding strand, the reverse complement: PDLIM3 is on the minus strand). VCF-style (leftmost placement, unchanged base first): chr4-185525086-A-ATG. GRCh37 (hg19) VCF-style: chr4-186446240-A-ATG.
Other names: c.177_178dup, p.Met60fs (NM_001114107.5, NM_001257962.2); c.93+10254_93+10255dup (NM_001257963.2); c.177_178dupCA (NM_014476.5, NM_014476.6); short protein forms M60fs.
Identifiers: ClinVar variation 31837 (VCV000031837.12), dbSNP rs199476399, ClinGen allele CA215387.
Genomic context (GRCh38, chr4:185,525,086, plus strand): 5'-ATTTTGAGACACAGCTGGTGAGCTGCTGCTTTAATCCTGTCCTGCGCATCAGCATGAGTC[A>ATG]TGGACTCTGTCCCAAAGCCGTCAATAGCCAGGATGACATCTCCAGGACACAGGTTGGCAG-3'